The following is an entry in ClinVar:

ClinVar aggregate classification (germline): Uncertain significance (1 of 4 stars; one submission).

Conditions:
Amelocerebrohypohidrotic syndrome (KTZS). Also called: Kohlschutter's syndrome; EPILEPSY AND YELLOW TEETH; EPILEPSY, DEMENTIA, AND AMELOGENESIS IMPERFECTA; KOHLSCHUTTER SYNDROME. Identifiers: Orphanet 1946, MedGen C0406740, MONDO:0009185, OMIM 226750.

Submission:

Labcorp Genetics (formerly Invitae), Labcorp
Classification: Uncertain significance for Amelocerebrohypohidrotic syndrome. Last evaluated: 2022-07-26. Review status: criteria provided, single submitter. Criteria: Invitae Variant Classification Sherloc (09022015). Collection method: clinical testing. Allele origin: germline.
Comment: ClinVar contains an entry for this variant (Variation ID: 1494922). In summary, the available evidence is currently insufficient to determine the role of this variant in disease. Therefore, it has been classified as a Variant of Uncertain Significance. Algorithms developed to predict the effect of missense changes on protein structure and function (SIFT, PolyPhen-2, Align-GVGD) all suggest that this variant is likely to be disruptive. This variant has not been reported in the literature in individuals affected with ROGDI-related conditions. This variant is not present in population databases (gnomAD no frequency). This sequence change replaces glutamic acid, which is acidic and polar, with glutamine, which is neutral and polar, at codon 248 of the ROGDI protein (p.Glu248Gln).

NM_024589.3(ROGDI):c.742G>C (p.Glu248Gln)

Gene: ROGDI (rogdi atypical leucine zipper; minus strand). Cytogenetic location: 16p13.3.
Variant type: single nucleotide variant.
Coding change: c.742G>C on transcript NM_024589.3 (MANE Select); coding-DNA position 742, G replaced by C.
Protein change: p.Glu248Gln; replaces glutamic acid 248 with glutamine.
Molecular consequence: missense variant. On other transcripts: non-coding transcript variant (1).
Genome position (GRCh38, 1-based): chr16:4,797,794, C>G on the plus strand (G>C on the coding strand, the complement: ROGDI is on the minus strand). VCF-style: chr16-4797794-C-G. GRCh37 (hg19) VCF-style: chr16-4847795-C-G.
Other names: short protein forms E248Q.
Identifiers: ClinVar variation 1494922 (VCV001494922.8), dbSNP rs2141905379, ClinGen allele CA394648862.